The following is an entry in ClinVar:

ClinVar aggregate classification (germline): Uncertain significance (1 of 4 stars; one submission).

Conditions:
Joubert syndrome 23 (JBTS23). Identifiers: Orphanet 475, MedGen C4084822, MONDO:0014664, OMIM 616490.
Short-rib thoracic dysplasia 14 with polydactyly (SRTD14). Identifiers: Orphanet 397715, MedGen C4225286, MONDO:0014688, OMIM 616546.

Submission:

Labcorp Genetics (formerly Invitae), Labcorp
Classification: Uncertain significance for Joubert syndrome 23; Short-rib thoracic dysplasia 14 with polydactyly. Last evaluated: 2023-12-22. Review status: criteria provided, single submitter. Criteria: Invitae Variant Classification Sherloc (09022015). Collection method: clinical testing. Allele origin: germline.
Comment: This sequence change replaces proline, which is neutral and non-polar, with leucine, which is neutral and non-polar, at codon 1260 of the KIAA0586 protein (p.Pro1260Leu). This variant is not present in population databases (gnomAD no frequency). This variant has not been reported in the literature in individuals affected with KIAA0586-related conditions. ClinVar contains an entry for this variant (Variation ID: 1387150). Algorithms developed to predict the effect of missense changes on protein structure and function output the following: SIFT: "Not Available"; PolyPhen-2: "Benign"; Align-GVGD: "Not Available". The leucine amino acid residue is found in multiple mammalian species, which suggests that this missense change does not adversely affect protein function. In summary, the available evidence is currently insufficient to determine the role of this variant in disease. Therefore, it has been classified as a Variant of Uncertain Significance.

NM_001329943.3(KIAA0586):c.3620C>T (p.Pro1207Leu)

Gene: KIAA0586 (KIAA0586; plus strand). Cytogenetic location: 14q23.1.
Variant type: single nucleotide variant.
Coding change: c.3620C>T on transcript NM_001329943.3 (MANE Select); coding-DNA position 3620, C replaced by T.
Protein change: p.Pro1207Leu; replaces proline 1207 with leucine.
Molecular consequence: missense variant.
Genome position (GRCh38, 1-based): chr14:58,488,713, C>T. VCF-style: chr14-58488713-C-T. GRCh37 (hg19) VCF-style: chr14-58955431-C-T.
Other names: c.3779C>T, p.Pro1260Leu (NM_001244189.2); c.3575C>T, p.Pro1192Leu (NM_001244190.2); c.3365C>T, p.Pro1122Leu (NM_001244191.2, NM_001329945.2, NM_001364700.1 and 1 more transcripts); c.3488C>T, p.Pro1163Leu (NM_001244192.2); c.3200C>T, p.Pro1067Leu (NM_001244193.2); c.3620C>T, p.Pro1207Leu (NM_001329944.2, NM_001329946.2, NM_001329947.2); c.3392C>T, p.Pro1131Leu (NM_014749.5); short protein forms P1067L, P1122L, P1131L, P1163L, P1207L, P1192L, P1260L.
Identifiers: ClinVar variation 1387150 (VCV001387150.6), dbSNP rs750251144, ClinGen allele CA389882632.